The following is an entry in ClinVar:

NM_000330.4(RS1):c.61G>C (p.Gly21Arg)

Gene: RS1 (retinoschisin 1; minus strand). Cytogenetic location: Xp22.13.
Variant type: single nucleotide variant.
Coding change: c.61G>C on transcript NM_000330.4 (MANE Select); coding-DNA position 61, G replaced by C.
Protein change: p.Gly21Arg; replaces glycine 21 with arginine.
Molecular consequence: missense variant.
Genome position (GRCh38, 1-based): chrX:18,657,657, C>G on the plus strand (G>C on the coding strand, the complement: RS1 is on the minus strand). VCF-style: chrX-18657657-C-G. GRCh37 (hg19) VCF-style: chrX-18675777-C-G.
Other names: NM_000330.4(RS1):c.61G>C; p.Gly21Arg; short protein forms G21R.
Identifiers: ClinVar variation 1063524 (VCV001063524.10), dbSNP rs2147203500, ClinGen allele CA412376881.
Genomic context (GRCh38, chrX:18,657,657, plus strand): 5'-AAGTACTATGCATGTACATTACAGCCTTCTTACTGTTACATACCTCGGTAGACGATAATC[C>G]CAATGTGGCTAAAGCAAAAGGATGAGACAGAAAAAATCTAATTAATGAAAGAGAAATCCA-3'
Protein context (NP_000321.1, residues 11-31): LLLFGYEATL[Gly21Arg]LSSTEDEGED

ClinVar aggregate classification (germline): Uncertain significance. Review status: reviewed by expert panel (3 of 4 stars). 2 submissions from 2 submitters: Uncertain significance (1). 1 of the submissions does not count toward it. Last evaluated 2025-05-19.

Conditions:
Juvenile retinoschisis (RS1). Also called: X-Linked Juvenile Retinoschisis; X-linked retinoschisis. Identifiers: Orphanet 792, MedGen C3714753, MONDO:0010725, OMIM 312700.

Submissions (2):

ClinGen X-linked Inherited Retinal Disease Variant Curation Expert Panel, ClinGen
Classification: Uncertain significance for Juvenile retinoschisis. Last evaluated: 2025-05-19. Review status: reviewed by expert panel. Criteria: ClinGen X LinkedIRD ACMG Specifications RS1 V1.0.0. Collection method: curation. Allele origin: germline. Inheritance: X-linked inheritance.
Comment: The NM_000330.4(RS1):c.61G>C variant is a missense variant encoding the substitution of Glycine with Arginine at amino acid 61. This variant is absent from hemizygous individuals in gnomAD v4.1.0 (PM2_Supporting). The computational predictor REVEL gives a score of 0.601, which is between the ClinGen X-linked IRD VCEP thresholds of 0.664 and 0.290 and does not predict a damaging effect on RS1 function. Additionally, the splicing impact predictor SpliceAI gives a score of 0.10, which is below the ClinGen X-linked IRD VCEP recommended threshold of ≥0.2 and does not strongly predict an impact on splicing. Collectively, the BP4 and PP3 codes do not apply. In summary, this variant is classified as a variant of uncertain significance for X-linked retinoschisis based on the ClinGen X-linked Inherited Retinal Disease Expert Panel Specifications to the ACMG/AMP Variant Interpretation Guidelines for RS1 Version 1.0.0: PM2_supporting (date of approval 01/24/2025).

Labcorp Genetics (formerly Invitae), Labcorp
Classification: Uncertain significance. Last evaluated: 2022-02-24. Review status: criteria provided, single submitter. Criteria: Invitae Variant Classification Sherloc (09022015). Collection method: clinical testing. Allele origin: germline. Not counted in ClinVar's aggregate classification.
Comment: In summary, the available evidence is currently insufficient to determine the role of this variant in disease. Therefore, it has been classified as a Variant of Uncertain Significance. Algorithms developed to predict the effect of missense changes on protein structure and function (SIFT, PolyPhen-2, Align-GVGD) all suggest that this variant is likely to be tolerated. ClinVar contains an entry for this variant (Variation ID: 1063524). This variant has not been reported in the literature in individuals affected with RS1-related conditions. This variant is not present in population databases (gnomAD no frequency). This sequence change replaces glycine, which is neutral and non-polar, with arginine, which is basic and polar, at codon 21 of the RS1 protein (p.Gly21Arg).